The following is an entry in ClinVar:

NM_000021.4(PSEN1):c.427_429del (p.Ile143del)

Gene: PSEN1 (presenilin 1; plus strand). Cytogenetic location: 14q24.2.
Variant type: Deletion.
Coding change: c.427_429del on transcript NM_000021.4 (MANE Select); coding-DNA positions 427 to 429, 3 bases deleted (ATT; older notation c.427_429delATT).
Protein change: p.Ile143del; deletes isoleucine 143.
Molecular consequence: inframe deletion.
Genome position (GRCh38, 1-based): chr14:73,173,654-73,173,656, ATT deleted. VCF-style (leftmost placement, unchanged base first): chr14-73173653-CATT-C. GRCh37 (hg19) VCF-style: chr14-73640361-CATT-C.
Other names: c.415_417del, p.Ile139del (NM_007318.3); short protein forms I139del, I143del.
Identifiers: ClinVar variation 1316100 (VCV001316100.2), dbSNP rs773231702, ClinGen allele CA7256729.
Genomic context (GRCh38, chr14:73,173,653, plus strand): 5'-CGAGACTGTGGGCCAGAGAGCCCTGCACTCAATTCTGAATGCTGCCATCATGATCAGTGT[CATT>C]GTTGTCATGACTATCCTCCTGGTGGTTCTGTATAAATACAGGTGCTATAAGGTGAGCATG-3'

ClinVar aggregate classification (germline): Uncertain significance (1 of 4 stars; one submission).

Allele frequency attached by ClinVar (database versions not stated): gnomAD exomes below 0.00001; ExAC 0.00001.

Submission:

GeneDx
Classification: Uncertain significance. Last evaluated: 2019-05-06. Review status: criteria provided, single submitter. Criteria: GeneDx Variant Classification Process June 2021. Collection method: clinical testing. Allele origin: germline. Affected: yes.
Comment: Not observed at a significant frequency in large population cohorts (Lek et al., 2016); In-frame deletion of 1 amino acid in a non-repeat region; In silico analysis, which includes protein predictors and evolutionary conservation, supports a deleterious effect; Has not been previously published as pathogenic or benign to our knowledge